The following is an entry in ClinVar:

ClinVar aggregate classification (germline): Likely benign. Review status: criteria provided, multiple submitters, no conflicts (2 of 4 stars). 2 submissions from 2 submitters: Likely benign (2). Last evaluated 2026-09-01.

Conditions:
Alacrima, achalasia, and impaired intellectual development syndrome. Also called: Alacrima, achalasia, and intellectual disability syndrome; Alacrima, achalasia, and mental retardation syndrome. Identifiers: Orphanet 869, MedGen C4706563, MONDO:0014219, OMIM 615510.

Allele frequency attached by ClinVar (database versions not stated): gnomAD exomes below 0.00001; TOPMed 0.00001; gnomAD 0.00002.

Submissions (2):

CeGaT Center for Human Genetics Tuebingen
Classification: Likely benign. Last evaluated: 2026-09-01. Review status: criteria provided, single submitter. Criteria: CeGaT Center For Human Genetics Tuebingen Variant Classification Criteria Version 2. Collection method: clinical testing. Allele origin: germline. Affected: yes. Observed: 1 variant allele.
Comment: GMPPA: BP4, BP7

Labcorp Genetics (formerly Invitae), Labcorp
Classification: Likely benign for Alacrima, achalasia, and impaired intellectual development syndrome. Last evaluated: 2023-10-28. Review status: criteria provided, single submitter. Criteria: Invitae Variant Classification Sherloc (09022015). Collection method: clinical testing. Allele origin: germline.

NM_013335.4(GMPPA):c.117C>T (p.His39=)

Genes: ASIC4-AS1 (ASIC4 antisense RNA 1; minus strand), GMPPA (GDP-mannose pyrophosphorylase A; plus strand). Cytogenetic location: 2q35.
Variant type: single nucleotide variant.
Coding change: c.117C>T on transcript NM_013335.4 (MANE Select); coding-DNA position 117, C replaced by T.
Protein change: p.His39=; no amino-acid change (histidine 39 retained).
Molecular consequence: synonymous variant.
Genome position (GRCh38, 1-based): chr2:219,500,197, C>T. VCF-style: chr2-219500197-C-T. GRCh37 (hg19) VCF-style: chr2-220364919-C-T.
Other names: c.117C>T, p.His39= (NM_001374294.1, NM_001374295.1, NM_205847.3).
Identifiers: ClinVar variation 2187906 (VCV002187906.5), dbSNP rs1045646475, ClinGen allele CA66009421.